The following is an entry in ClinVar:

ClinVar aggregate classification (germline): Uncertain significance (1 of 4 stars; one submission).

Conditions:
Familial adenomatous polyposis 1 (FAP1). Also called: FAMILIAL ADENOMATOUS POLYPOSIS 1, ATTENUATED; POLYPOSIS, ADENOMATOUS INTESTINAL. Identifiers: MedGen C2713442, MONDO:0021056, OMIM 175100. Disease mechanism: loss of function.

Allele frequency attached by ClinVar (database versions not stated): gnomAD exomes below 0.00001.
gnomAD v4.1: 1 of 851,298 alleles (0.00012%); highest among the groups gnomAD compares: Non-Finnish European, 0.00017%; no homozygotes.

Submission:

Labcorp Genetics (formerly Invitae), Labcorp
Classification: Uncertain significance for Familial adenomatous polyposis 1. Last evaluated: 2025-11-17. Review status: criteria provided, single submitter. Criteria: Invitae Variant Classification Sherloc (09022015). Collection method: clinical testing. Allele origin: germline.
Comment: This variant occurs in a non-coding region of the APC gene. It does not change the encoded amino acid sequence of the APC protein. This variant is not present in population databases (gnomAD no frequency). This variant has not been reported in the literature in individuals affected with APC-related conditions. Experimental studies and prediction algorithms are not available or were not evaluated, and the functional significance of this variant is currently unknown. In summary, the available evidence is currently insufficient to determine the role of this variant in disease. Therefore, it has been classified as a Variant of Uncertain Significance.

NM_001127511.3(APC):c.-144T>G

Gene: APC (APC regulator of Wnt signaling pathway; plus strand). Cytogenetic location: 5q22.2.
Variant type: single nucleotide variant.
Coding change: c.-144T>G on transcript NM_001127511.3; 144 bases upstream of the start codon, T replaced by G.
Molecular consequence: 5 prime UTR variant. On other transcripts: non-coding transcript variant (2).
Genome position (GRCh38, 1-based): chr5:112,707,574, T>G. VCF-style: chr5-112707574-T-G. GRCh37 (hg19) VCF-style: chr5-112043271-T-G.
Other names: c.-327T>G (NM_001354895.2, NM_001407447.1, NM_001407452.1 and 3 more transcripts); c.-144T>G (NM_001354897.2, NM_001354902.2, NM_001407446.1); c.-94T>G (NM_001407448.1, NM_001407450.1, NM_001407457.1 and 1 more transcripts); c.-118T>G (NM_001407453.1); c.-1362T>G (NM_001407470.1, NM_001407472.1).
Identifiers: ClinVar variation 1017346 (VCV001017346.9), dbSNP rs1717358972, ClinGen allele CA1573442467.